The following is an entry in ClinVar:

NM_006371.5(CRTAP):c.207C>A (p.Ile69=)

Gene: CRTAP (cartilage associated protein; plus strand). Cytogenetic location: 3p22.3.
Variant type: single nucleotide variant.
Coding change: c.207C>A on transcript NM_006371.5 (MANE Select); coding-DNA position 207, C replaced by A.
Protein change: p.Ile69=; no amino-acid change (isoleucine 69 retained).
Molecular consequence: synonymous variant.
Genome position (GRCh38, 1-based): chr3:33,114,284, C>A. VCF-style: chr3-33114284-C-A. GRCh37 (hg19) VCF-style: chr3-33155776-C-A.
Other names: c.207C>A, p.Ile69= (NM_001393363.1, NM_001393364.1, NM_001393365.1).
Identifiers: ClinVar variation 2986881 (VCV002986881.4), dbSNP rs1371305889, ClinGen allele CA433063390.
Genomic context (GRCh38, chr3:33,114,284, plus strand): 5'-GCACGCGCTGGACAAGTACAGCGGCGAGCACTGGGCCGAGAGCGTGGGCTACCTGGAGAT[C>A]AGCCTGCGGCTGCACCGCTTGCTGCGCGACAGCGAGGCCTTCTGCCACCGCAACTGCAGC-3'
Protein context (NP_006362.1, residues 59-79): HWAESVGYLE[Ile69=]SLRLHRLLRD

ClinVar aggregate classification (germline): Likely benign. Review status: criteria provided, single submitter (1 of 4 stars). 2 submissions from 2 submitters: Likely benign (1). 1 of the submissions does not count toward it. Last evaluated 2024-08-31.

Conditions:
CRTAP-related disorder. Also called: CRTAP-related condition.
Osteogenesis imperfecta type 7 (OI7). Also called: OSTEOGENESIS IMPERFECTA, TYPE IIB; OI type 7; OI type VII; Osteogenesis imperfecta type 2B; OI type 2B; Osteogenesis imperfecta, perinatal lethal autosomal recessive. Identifiers: MedGen C1853162, MONDO:0012536, OMIM 610682.

Allele frequency attached by ClinVar (database versions not stated): gnomAD exomes below 0.00001; TOPMed below 0.00001.
gnomAD v4.1: 8 of 1,575,970 alleles (0.00051%); highest among the groups gnomAD compares: South Asian, 0.0069%; no homozygotes.

Submissions (2):

Labcorp Genetics (formerly Invitae), Labcorp
Classification: Likely benign for Osteogenesis imperfecta type 7. Last evaluated: 2024-08-31. Review status: criteria provided, single submitter. Criteria: Invitae Variant Classification Sherloc (09022015). Collection method: clinical testing. Allele origin: germline.

PreventionGenetics, part of Exact Sciences
Classification: Likely benign for CRTAP-related condition. Last evaluated: 2024-09-14. Review status: no assertion criteria provided. Collection method: clinical testing. Allele origin: germline. Not counted in ClinVar's aggregate classification.
Comment: This variant is classified as likely benign based on ACMG/AMP sequence variant interpretation guidelines (Richards et al. 2015 PMID: 25741868, with internal and published modifications).